The following is an entry in ClinVar:

NM_003809.3(TNFSF12):c.26G>A (p.Arg9Gln)

Genes: TNFSF12 (TNF superfamily member 12; plus strand), TNFSF12-TNFSF13 (TNFSF12-TNFSF13 readthrough; plus strand), LOC130060153 (ATAC-STARR-seq lymphoblastoid silent region 8127; plus strand). Cytogenetic location: 17p13.1.
Variant type: single nucleotide variant.
Coding change: c.26G>A on transcript NM_003809.3 (MANE Select); coding-DNA position 26, G replaced by A.
Protein change: p.Arg9Gln; replaces arginine 9 with glutamine.
Molecular consequence: missense variant. On other transcripts: non-coding transcript variant (1).
Genome position (GRCh38, 1-based): chr17:7,549,179, G>A. VCF-style: chr17-7549179-G-A. GRCh37 (hg19) VCF-style: chr17-7452496-G-A.
Other names: c.26G>A, p.Arg9Gln (NM_172089.4); short protein forms R9Q.
Identifiers: ClinVar variation 1443273 (VCV001443273.8), dbSNP rs1211322156, ClinGen allele CA397853140.

ClinVar aggregate classification (germline): Uncertain significance (1 of 4 stars; one submission).

Conditions:
Common variable immunodeficiency (CVID). Also called: Common variable hypogamma-globulinemia; Common variable agammaglobulinemia. Identifiers: Orphanet 1572, MedGen C0009447, MONDO:0015517.

Allele frequency attached by ClinVar (database versions not stated): TOPMed 0.00001; gnomAD exomes below 0.00001; gnomAD 0.00001.
gnomAD v4.1: 3 of 1,299,944 alleles (0.00023%); highest among the groups gnomAD compares: Non-Finnish European, 0.00029%; no homozygotes.

Submission:

Labcorp Genetics (formerly Invitae), Labcorp
Classification: Uncertain significance for Common variable immunodeficiency. Last evaluated: 2021-07-22. Review status: criteria provided, single submitter. Criteria: Invitae Variant Classification Sherloc (09022015). Collection method: clinical testing. Allele origin: germline.
Comment: In summary, the available evidence is currently insufficient to determine the role of this variant in disease. Therefore, it has been classified as a Variant of Uncertain Significance. Algorithms developed to predict the effect of missense changes on protein structure and function output the following: SIFT: "Tolerated"; PolyPhen-2: "Not Available"; Align-GVGD: "Class C0". The glutamine amino acid residue is found in multiple mammalian species, suggesting that this missense change does not adversely affect protein function. These predictions have not been confirmed by published functional studies and their clinical significance is uncertain. This variant has not been reported in the literature in individuals with TNFSF12-related conditions. The frequency data for this variant in the population databases is considered unreliable, as metrics indicate insufficient coverage at this position in the ExAC database. This sequence change replaces arginine with glutamine at codon 9 of the TNFSF12 protein (p.Arg9Gln). The arginine residue is highly conserved and there is a small physicochemical difference between arginine and glutamine.